The following is an entry in ClinVar:

ClinVar aggregate classification (germline): Uncertain significance (1 of 4 stars; one submission).

Conditions:
Melnick-Needles syndrome (MNS). Also called: MELNICK-NEEDLES OSTEODYSPLASTY; OSTEODYSPLASTY OF MELNICK AND NEEDLES; Melnick-Needles Syndrome (FLNA-MNS). Identifiers: Orphanet 2484, MedGen C0025237, MONDO:0010650, OMIM 309350.
Frontometaphyseal dysplasia (FMD1). Identifiers: Orphanet 1826, MedGen C0265293, MONDO:0015942.
Heterotopia, periventricular, X-linked dominant (PVNH1). Also called: PERIVENTRICULAR NODULAR HETEROTOPIA 1; X-linked periventricular heterotopia; PERIVENTRICULAR NODULAR HETEROTOPIA 4; HETEROTOPIA, PERIVENTRICULAR, 1. Identifiers: Orphanet 2149, Orphanet 82004, MedGen C1848213, MONDO:0010233, OMIM 300049.
Oto-palato-digital syndrome, type II (OPD2). Also called: FACIOPALATOOSSEOUS SYNDROME; OPD II SYNDROME; Otopalatodigital Syndrome, Type II; Otopalatodigital Syndrome Type 2 (FLNA-OPD2). Identifiers: Orphanet 669, Orphanet 90652, MedGen C1844696, MONDO:0010571, OMIM 304120.

Submission:

Labcorp Genetics (formerly Invitae), Labcorp
Classification: Uncertain significance for Oto-palato-digital syndrome, type II; Heterotopia, periventricular, X-linked dominant; Frontometaphyseal dysplasia; Melnick-Needles syndrome. Last evaluated: 2024-12-26. Review status: criteria provided, single submitter. Criteria: Invitae Variant Classification Sherloc (09022015). Collection method: clinical testing. Allele origin: germline.
Comment: This sequence change replaces glycine, which is neutral and non-polar, with serine, which is neutral and polar, at codon 1364 of the FLNA protein (p.Gly1364Ser). This variant is not present in population databases (gnomAD no frequency). This variant has not been reported in the literature in individuals affected with FLNA-related conditions. Invitae Evidence Modeling of protein sequence and biophysical properties (such as structural, functional, and spatial information, amino acid conservation, physicochemical variation, residue mobility, and thermodynamic stability) has been performed for this missense variant. However, the output from this modeling did not meet the statistical confidence thresholds required to predict the impact of this variant on FLNA protein function. In summary, the available evidence is currently insufficient to determine the role of this variant in disease. Therefore, it has been classified as a Variant of Uncertain Significance.

NM_001110556.2(FLNA):c.4090G>A (p.Gly1364Ser)

Gene: FLNA (filamin A; minus strand). Cytogenetic location: Xq28.
Variant type: single nucleotide variant.
Coding change: c.4090G>A on transcript NM_001110556.2 (MANE Select); coding-DNA position 4090, G replaced by A.
Protein change: p.Gly1364Ser; replaces glycine 1364 with serine.
Molecular consequence: missense variant.
Genome position (GRCh38, 1-based): chrX:154,359,536, C>T on the plus strand (G>A on the coding strand, the complement: FLNA is on the minus strand). VCF-style: chrX-154359536-C-T. GRCh37 (hg19) VCF-style: chrX-153587904-C-T.
Other names: c.4090G>A, p.Gly1364Ser (NM_001456.4); short protein forms G1364S.
Identifiers: ClinVar variation 3753987 (VCV003753987.2).